The following is an entry in ClinVar:

ClinVar aggregate classification (germline): Uncertain significance. Review status: criteria provided, multiple submitters, no conflicts (2 of 4 stars). 2 submissions from 2 submitters: Uncertain significance (2). Last evaluated 2025-03-03.

Conditions:
Immunodeficiency due to CD25 deficiency. Also called: CD25 DEFICIENCY; IMMUNODEFICIENCY 41 WITH LYMPHOPROLIFERATION AND AUTOIMMUNITY; IL2RA DEFICIENCY. Identifiers: Orphanet 169100, MedGen C1853392, MONDO:0011664, OMIM 606367.

Allele frequency attached by ClinVar (database versions not stated): ESP Exome Variant Server 0.00015.
gnomAD v4.1: 25 of 1,608,990 alleles (0.0016%); highest among the groups gnomAD compares: African/African-American, 0.031%; no homozygotes.

Submissions (2):

Ambry Genetics
Classification: Uncertain significance. Last evaluated: 2025-03-03. Review status: criteria provided, single submitter. Criteria: Ambry Variant Classification Scheme 2023. Collection method: clinical testing. Allele origin: germline.

Labcorp Genetics (formerly Invitae), Labcorp
Classification: Uncertain significance for Immunodeficiency due to CD25 deficiency. Last evaluated: 2022-02-04. Review status: criteria provided, single submitter. Criteria: Invitae Variant Classification Sherloc (09022015). Collection method: clinical testing. Allele origin: germline.
Comment: This sequence change replaces arginine, which is basic and polar, with proline, which is neutral and non-polar, at codon 88 of the IL2RA protein (p.Arg88Pro). This variant is present in population databases (rs139340259, gnomAD 0.03%). This variant has not been reported in the literature in individuals affected with IL2RA-related conditions. Algorithms developed to predict the effect of missense changes on protein structure and function are either unavailable or do not agree on the potential impact of this missense change (SIFT: "Tolerated"; PolyPhen-2: "Possibly Damaging"; Align-GVGD: "Class C0"). In summary, the available evidence is currently insufficient to determine the role of this variant in disease. Therefore, it has been classified as a Variant of Uncertain Significance.

NM_000417.3(IL2RA):c.263G>C (p.Arg88Pro)

Gene: IL2RA (interleukin 2 receptor subunit alpha; minus strand). Cytogenetic location: 10p15.1.
Variant type: single nucleotide variant.
Coding change: c.263G>C on transcript NM_000417.3 (MANE Select); coding-DNA position 263, G replaced by C.
Protein change: p.Arg88Pro; replaces arginine 88 with proline.
Molecular consequence: missense variant.
Genome position (GRCh38, 1-based): chr10:6,024,348, C>G on the plus strand (G>C on the coding strand, the complement: IL2RA is on the minus strand). VCF-style: chr10-6024348-C-G. GRCh37 (hg19) VCF-style: chr10-6066311-C-G.
Other names: c.263G>C, p.Arg88Pro (NM_001308242.2, NM_001308243.2); short protein forms R88P.
Identifiers: ClinVar variation 2180984 (VCV002180984.2), dbSNP rs139340259, ClinGen allele CA5397504.